The following is an entry in ClinVar:

ClinVar aggregate classification (germline): Uncertain significance (1 of 4 stars; one submission).

Submission:

Labcorp Genetics (formerly Invitae), Labcorp
Classification: Uncertain significance. Last evaluated: 2023-03-23. Review status: criteria provided, single submitter. Criteria: Invitae Variant Classification Sherloc (09022015). Collection method: clinical testing. Allele origin: germline.
Comment: In summary, the available evidence is currently insufficient to determine the role of this variant in disease. Therefore, it has been classified as a Variant of Uncertain Significance. An algorithm developed to predict the effect of missense changes on protein structure and function (PolyPhen-2) suggests that this variant is likely to be disruptive. ClinVar contains an entry for this variant (Variation ID: 2028045). This variant has not been reported in the literature in individuals affected with KDM1A-related conditions. This variant is not present in population databases (gnomAD no frequency). This sequence change replaces leucine, which is neutral and non-polar, with serine, which is neutral and polar, at codon 2 of the KDM1A protein (p.Leu2Ser).

NM_001009999.3(KDM1A):c.5T>C (p.Leu2Ser)

Gene: KDM1A (lysine demethylase 1A; plus strand). Cytogenetic location: 1p36.12.
Variant type: single nucleotide variant.
Coding change: c.5T>C on transcript NM_001009999.3 (MANE Select); coding-DNA position 5, T replaced by C.
Protein change: p.Leu2Ser; replaces leucine 2 with serine.
Molecular consequence: missense variant.
Genome position (GRCh38, 1-based): chr1:23,019,601, T>C. VCF-style: chr1-23019601-T-C. GRCh37 (hg19) VCF-style: chr1-23346094-T-C.
Other names: c.5T>C, p.Leu2Ser (NM_001363654.2, NM_001410762.1, NM_001410763.1 and 1 more transcripts); short protein forms L2S.
Identifiers: ClinVar variation 2028045 (VCV002028045.4), dbSNP rs2522469111, ClinGen allele CA338949700.
Genomic context (GRCh38, chr1:23,019,601, plus strand): 5'-CCACGGAGCGACAGAGCGAGCGGCCCCTACGGCCGTCGGCGGCCCGGCGGCCCGAGATGT[T>C]ATCTGGGAAGAAGGCGGCAGCCGCGGCGGCGGCGGCTGCAGCGGCAGCAACCGGGACGGA-3'
Protein context (NP_001009999.1, residues 1-12): M[Leu2Ser]SGKKAAAAAA